The following is an entry in ClinVar:

NM_004186.5(SEMA3F):c.906C>T (p.Asn302=)

Gene: SEMA3F (semaphorin 3F; plus strand). Cytogenetic location: 3p21.31.
Variant type: single nucleotide variant.
Coding change: c.906C>T on transcript NM_004186.5 (MANE Select); coding-DNA position 906, C replaced by T.
Protein change: p.Asn302=; no amino-acid change (asparagine 302 retained).
Molecular consequence: synonymous variant.
Genome position (GRCh38, 1-based): chr3:50,182,906, C>T. VCF-style: chr3-50182906-C-T. GRCh37 (hg19) VCF-style: chr3-50220339-C-T.
Other names: c.609C>T, p.Asn203= (NM_001318798.2); c.813C>T, p.Asn271= (NM_001318800.2).
Identifiers: ClinVar variation 3354009 (VCV003354009.1).

ClinVar aggregate classification (germline): Likely benign (0 of 4 stars; one submission).

Conditions:
SEMA3F-related disorder. Also called: SEMA3F-related condition.

gnomAD v4.1: 26 of 1,613,634 alleles (0.0016%); highest among the groups gnomAD compares: South Asian, 0.0033%; no homozygotes.

Submission:

PreventionGenetics, part of Exact Sciences
Classification: Likely benign for SEMA3F-related condition. Last evaluated: 2023-01-30. Review status: no assertion criteria provided. Collection method: clinical testing. Allele origin: germline.
Comment: This variant is classified as likely benign based on ACMG/AMP sequence variant interpretation guidelines (Richards et al. 2015 PMID: 25741868, with internal and published modifications).